The following is an entry in ClinVar:

ClinVar aggregate classification (germline): Likely benign. Review status: criteria provided, multiple submitters, no conflicts (2 of 4 stars). 3 submissions from 3 submitters: Likely benign (3). Last evaluated 2026-01-17.

Conditions:
Spastic ataxia 2. Also called: Ataxia, spastic, 2, autosomal recessive. Identifiers: Orphanet 397946, MedGen C1969796, MONDO:0012651, OMIM 611302.

Allele frequency attached by ClinVar (database versions not stated): ESP Exome Variant Server 0.00069.
gnomAD v4.1: 562 of 1,484,788 alleles (0.038%); highest among the groups gnomAD compares: African/African-American, 0.84%; 2 homozygotes.

Submissions (3):

Labcorp Genetics (formerly Invitae), Labcorp
Classification: Likely benign for Spastic ataxia 2. Last evaluated: 2026-01-17. Review status: criteria provided, single submitter. Criteria: Invitae Variant Classification Sherloc (09022015). Collection method: clinical testing. Allele origin: germline.

Blueprint Genetics
Classification: Likely benign. Last evaluated: 2024-10-02. Review status: criteria provided, single submitter. Criteria: ACMG Guidelines, 2015. Collection method: clinical testing. Allele origin: germline.

GeneDx
Classification: Likely benign. Last evaluated: 2017-12-11. Review status: criteria provided, single submitter. Criteria: GeneDx Variant Classification (06012015). Collection method: clinical testing. Allele origin: germline. Affected: yes.
Comment: This variant is considered likely benign or benign based on one or more of the following criteria: it is a conservative change, it occurs at a poorly conserved position in the protein, it is predicted to be benign by multiple in silico algorithms, and/or has population frequency not consistent with disease.

NM_006612.6(KIF1C):c.720+20C>G

Gene: KIF1C (kinesin family member 1C; plus strand). Cytogenetic location: 17p13.2.
Variant type: single nucleotide variant.
Coding change: c.720+20C>G on transcript NM_006612.6 (MANE Select); 20 bases into the intron after coding-DNA position 720, C replaced by G.
Molecular consequence: intron variant.
Genome position (GRCh38, 1-based): chr17:5,002,862, C>G. VCF-style: chr17-5002862-C-G. GRCh37 (hg19) VCF-style: chr17-4906157-C-G.
Identifiers: ClinVar variation 513831 (VCV000513831.11), dbSNP rs201019441, ClinGen allele CA8318681.
Genomic context (GRCh38, chr17:5,002,862, plus strand): 5'-AGCGCTGCCATGACCAGCTCACGGGGCTGGACTCGGAGAAGGTGGGATCGCCCCCCCCCC[C>G]ACTCCCCCACCGGATGCAACCTCCCCTGGCAACAGGGACAGTGACATGGTAGAAGGGTCT-3'